The following is an entry in ClinVar:

NM_001146079.2(CLDN14):c.316C>T (p.Arg106Cys)

Genes: CLDN14 (claudin 14; minus strand), CLDN14-AS1 (CLDN14 antisense RNA 1; plus strand). Cytogenetic location: 21q22.13.
Variant type: single nucleotide variant.
Coding change: c.316C>T on transcript NM_001146079.2 (MANE Select); coding-DNA position 316, C replaced by T.
Protein change: p.Arg106Cys; replaces arginine 106 with cysteine.
Molecular consequence: missense variant.
Genome position (GRCh38, 1-based): chr21:36,461,380, G>A on the plus strand (C>T on the coding strand, the complement: CLDN14 is on the minus strand). VCF-style: chr21-36461380-G-A. GRCh37 (hg19) VCF-style: chr21-37833678-G-A.
Other names: c.316C>T (NM_144492.2); c.316C>T, p.Arg106Cys (NM_001146077.2, NM_001146078.3, NM_012130.4 and 1 more transcripts); short protein forms R106C.
Identifiers: ClinVar variation 2168685 (VCV002168685.6), dbSNP rs140257182, ClinGen allele CA10019291.

ClinVar aggregate classification (germline): Uncertain significance. Review status: criteria provided, multiple submitters, no conflicts (2 of 4 stars). 2 submissions from 2 submitters: Uncertain significance (2). Last evaluated 2026-01-12.

Conditions:
Inborn genetic diseases. Identifiers: MedGen C0950123, MeSH D030342.

Allele frequency attached by ClinVar (database versions not stated): gnomAD exomes 0.00005; ExAC 0.00013; 1000 Genomes Project 30x 0.00016; gnomAD 0.00019; 1000 Genomes Project 0.00020; TOPMed 0.00026; ESP Exome Variant Server 0.00046.

Submissions (2):

Labcorp Genetics (formerly Invitae), Labcorp
Classification: Uncertain significance. Last evaluated: 2026-01-12. Review status: criteria provided, single submitter. Criteria: Invitae Variant Classification Sherloc (09022015). Collection method: clinical testing. Allele origin: germline.
Comment: This sequence change replaces arginine, which is basic and polar, with cysteine, which is neutral and slightly polar, at codon 106 of the CLDN14 protein (p.Arg106Cys). This variant is present in population databases (rs140257182, gnomAD 0.07%). This variant has not been reported in the literature in individuals affected with CLDN14-related conditions. ClinVar contains an entry for this variant (Variation ID: 2168685). An algorithm developed to predict the effect of missense changes on protein structure and function (PolyPhen-2) suggests that this variant is likely to be disruptive. In summary, the available evidence is currently insufficient to determine the role of this variant in disease. Therefore, it has been classified as a Variant of Uncertain Significance.

Ambry Genetics
Classification: Uncertain significance for Inborn genetic diseases. Last evaluated: 2025-07-02. Review status: criteria provided, single submitter. Criteria: Ambry Variant Classification Scheme 2023. Collection method: clinical testing. Allele origin: germline.